The following is an entry in ClinVar:

NM_000059.4(BRCA2):c.7596_7609del (p.Pro2532_Ser2533insTer)

Gene: BRCA2 (BRCA2 DNA repair associated; plus strand). Cytogenetic location: 13q13.1.
Variant type: Deletion.
Coding change: c.7596_7609del on transcript NM_000059.4 (MANE Select); coding-DNA positions 7596 to 7609, 14 bases deleted (CTCTGCGTGTTCTC).
Protein change: p.Pro2532_Ser2533insTer.
Molecular consequence: frameshift variant.
Genome position (GRCh38, 1-based): chr13:32,356,588-32,356,601, CTCTGCGTGTTCTC deleted; deleting any 14 consecutive bases within chr13:32,356,587-32,356,601 gives the same sequence; the c. name uses the placement nearest the transcript's 3' end. VCF-style (leftmost placement, unchanged base first): chr13-32356586-CCCTCTGCGTGTTCT-C. GRCh37 (hg19) VCF-style: chr13-32930723-CCCTCTGCGTGTTCT-C.
Other names: 7824del14; c.7596_7609delCTCTGCGTGTTCTC (NM_000059.3).
Identifiers: ClinVar variation 126141 (VCV000126141.2), dbSNP rs80359667, ClinGen allele CA025169.
Genomic context (GRCh38, chr13:32,356,586, plus strand): 5'-CTTGCAAAAACATCCACTCTGCCTCGAATCTCTCTGAAAGCAGCAGTAGGAGGCCAAGTT[CCCTCTGCGTGTTCT>C]CATAAACAGGTATGTGTTTGTCTACAATACTGATGGCTTTTATGACAGAGTGTAATTTTA-3'

ClinVar aggregate classification (germline): Pathogenic. Review status: reviewed by expert panel (3 of 4 stars). 2 submissions from 2 submitters: Pathogenic (1). 1 of the submissions does not count toward it. Last evaluated 2016-09-08.

Conditions:
Breast-ovarian cancer, familial, susceptibility to, 2 (BROVCA2). Also called: BRCA2 Hereditary Breast and Ovarian Cancer. Identifiers: Orphanet 145, MedGen C2675520, MONDO:0012933, OMIM 612555. Disease mechanism: loss of function.

Submissions (2):

Evidence-based Network for the Interpretation of Germline Mutant Alleles (ENIGMA)
Classification: Pathogenic for Breast-ovarian cancer, familial, susceptibility to, 2. Last evaluated: 2016-09-08. Review status: reviewed by expert panel. Criteria: ENIGMA BRCA1/2 Classification Criteria (2015). Collection method: curation. Allele origin: germline.
Comment: Variant allele predicted to encode a truncated non-functional protein.

Breast Cancer Information Core (BIC) (BRCA2)
Classification: Pathogenic for Breast-ovarian cancer, familial 2. Last evaluated: 2003-12-23. Review status: no assertion criteria provided. Collection method: clinical testing. Allele origin: germline. Affected: yes. Observed: 1 variant allele. Not counted in ClinVar's aggregate classification.